The following is an entry in ClinVar:

NM_007315.4(STAT1):c.1106A>G (p.Asn369Ser)

Gene: STAT1 (signal transducer and activator of transcription 1; minus strand). Cytogenetic location: 2q32.2.
Variant type: single nucleotide variant.
Coding change: c.1106A>G on transcript NM_007315.4 (MANE Select); coding-DNA position 1106, A replaced by G.
Protein change: p.Asn369Ser; replaces asparagine 369 with serine.
Molecular consequence: missense variant. On other transcripts: intron variant (1).
Genome position (GRCh38, 1-based): chr2:190,987,060, T>C on the plus strand (A>G on the coding strand, the complement: STAT1 is on the minus strand). VCF-style: chr2-190987060-T-C. GRCh37 (hg19) VCF-style: chr2-191851786-T-C.
Other names: c.1046A>G, p.Asn349Ser (NM_001384880.1); c.1112A>G, p.Asn371Ser (NM_001384881.1, NM_001384884.1); c.1106A>G, p.Asn369Ser (NM_001384882.1, NM_001384886.1, NM_001384889.1 and 1 more transcripts); c.1007A>G, p.Asn336Ser (NM_001384883.1); c.947A>G, p.Asn316Ser (NM_001384885.1); c.1013A>G, p.Asn338Ser (NM_001384887.1); c.1016A>G, p.Asn339Ser (NM_001384890.1); c.1142A>G, p.Asn381Ser (NM_001384891.1); and 1 more; short protein forms N316S, N338S, N349S, N369S, N371S, N381S, N336S, N339S.
Identifiers: ClinVar variation 2112379 (VCV002112379.4), dbSNP rs2470466306, ClinGen allele CA349919408.

ClinVar aggregate classification (germline): Uncertain significance (1 of 4 stars; one submission).

Conditions:
Autoimmune enteropathy and endocrinopathy - susceptibility to chronic infections syndrome. Also called: Immunodeficiency 31C, autosomal dominant; Immunodeficiency 31C. Identifiers: Orphanet 391487, MedGen C3279990, MONDO:0013599, OMIM 614162.
Mendelian susceptibility to mycobacterial diseases due to partial STAT1 deficiency. Also called: IMMUNODEFICIENCY 31A, MYCOBACTERIOSIS, AUTOSOMAL DOMINANT; STAT1 DEFICIENCY, AUTOSOMAL DOMINANT; Immunodeficiency 31a. Identifiers: Orphanet 319595, MedGen C4013950, MONDO:0013956, OMIM 614892.
Immunodeficiency 31B. Also called: STAT1 DEFICIENCY, AUTOSOMAL RECESSIVE; IMMUNODEFICIENCY 31B, MYCOBACTERIAL AND VIRAL INFECTIONS, AUTOSOMAL RECESSIVE. Identifiers: Orphanet 391311, MedGen C3151088, MONDO:0013427, OMIM 613796.

Submission:

Labcorp Genetics (formerly Invitae), Labcorp
Classification: Uncertain significance for Mendelian susceptibility to mycobacterial diseases due to partial STAT1 deficiency; Immunodeficiency 31B; Autoimmune enteropathy and endocrinopathy - susceptibility to chronic infections syndrome. Last evaluated: 2022-10-21. Review status: criteria provided, single submitter. Criteria: Invitae Variant Classification Sherloc (09022015). Collection method: clinical testing. Allele origin: germline.
Comment: In summary, the available evidence is currently insufficient to determine the role of this variant in disease. Therefore, it has been classified as a Variant of Uncertain Significance. Algorithms developed to predict the effect of missense changes on protein structure and function output the following: SIFT: "Tolerated"; PolyPhen-2: "Benign"; Align-GVGD: "Class C0". The serine amino acid residue is found in multiple mammalian species, which suggests that this missense change does not adversely affect protein function. This variant has not been reported in the literature in individuals affected with STAT1-related conditions. This variant is not present in population databases (gnomAD no frequency). This sequence change replaces asparagine, which is neutral and polar, with serine, which is neutral and polar, at codon 369 of the STAT1 protein (p.Asn369Ser).